The following is an entry in ClinVar:

NM_001368894.2(PAX6):c.185T>G (p.Val62Gly)

Gene: PAX6 (paired box 6; minus strand). Cytogenetic location: 11p13.
Variant type: single nucleotide variant.
Coding change: c.185T>G on transcript NM_001368894.2 (MANE Select); coding-DNA position 185, T replaced by G.
Protein change: p.Val62Gly; replaces valine 62 with glycine.
Molecular consequence: missense variant. On other transcripts: 5 prime UTR variant (14), non-coding transcript variant (2).
Genome position (GRCh38, 1-based): chr11:31,801,775, A>C on the plus strand (T>G on the coding strand, the complement: PAX6 is on the minus strand). VCF-style: chr11-31801775-A-C. GRCh37 (hg19) VCF-style: chr11-31823323-A-C.
Other names: c.143T>G, p.Val48Gly (NM_000280.6, NM_001127612.3, NM_001258464.2 and 11 more transcripts); c.185T>G, p.Val62Gly (NM_001258462.3, NM_001258463.2, NM_001310158.2 and 13 more transcripts); c.-597T>G (NM_001310160.2, NM_001368902.2, NM_001368905.2); c.-266T>G (NM_001310161.3, NM_001368899.2, NM_001368900.2 and 8 more transcripts); c.386T>G, p.Val129Gly (NM_001368910.2); c.188T>G, p.Val63Gly (NM_001368911.2); c.260T>G, p.Val87Gly (NM_001368918.2, NM_001368919.2); c.218T>G, p.Val73Gly (NM_001368920.2); short protein forms V129G, V63G, V48G, V62G, V73G, V87G.
Identifiers: ClinVar variation 2113548 (VCV002113548.4), dbSNP rs2135101631, ClinGen allele CA379959139.
Genomic context (GRCh38, chr11:31,801,775, plus strand): 5'-GGTCTGATGGAGCCAGTCTCGTAATACCTGCCCAGAATTTTACTCACACATCCGTTGGAC[A>C]CCTGCATAGGGGAAGTGGACAGAAAACCACATTATTAATAATTTCAAGACAAAAATAAAA-3'
Protein context (NP_001355823.1, residues 52-72): AKVQVLDNQN[Val62Gly]SNGCVSKILG

ClinVar aggregate classification (germline): Uncertain significance (1 of 4 stars; one submission).

Conditions:
Aniridia 1 (AN1). Identifiers: Orphanet 250923, MedGen C0344542, MONDO:0024507, OMIM 106210.
Irido-corneo-trabecular dysgenesis (ASGD5). Also called: ANTERIOR SEGMENT DYSGENESIS 5. Identifiers: Orphanet 708, MedGen C0344559, MONDO:0011414, OMIM 604229, HP:0000659.

Submission:

Labcorp Genetics (formerly Invitae), Labcorp
Classification: Uncertain significance for Aniridia 1; Irido-corneo-trabecular dysgenesis. Last evaluated: 2022-03-18. Review status: criteria provided, single submitter. Criteria: Invitae Variant Classification Sherloc (09022015). Collection method: clinical testing. Allele origin: germline.
Comment: This variant has not been reported in the literature in individuals affected with PAX6-related conditions. In summary, the available evidence is currently insufficient to determine the role of this variant in disease. Therefore, it has been classified as a Variant of Uncertain Significance. Algorithms developed to predict the effect of missense changes on protein structure and function (SIFT, PolyPhen-2, Align-GVGD) all suggest that this variant is likely to be disruptive. This variant is not present in population databases (gnomAD no frequency). This sequence change replaces valine, which is neutral and non-polar, with glycine, which is neutral and non-polar, at codon 48 of the PAX6 protein (p.Val48Gly).